The following is an entry in ClinVar:

ClinVar aggregate classification (germline): Uncertain significance (1 of 4 stars; one submission).

Conditions:
MHC class I deficiency. Identifiers: Orphanet 34592, MedGen C6024714, MONDO:0011476.

Allele frequency attached by ClinVar (database versions not stated): gnomAD exomes below 0.00001; TOPMed 0.00001.

Submission:

Labcorp Genetics (formerly Invitae), Labcorp
Classification: Uncertain significance for MHC class I deficiency 1. Last evaluated: 2025-06-04. Review status: criteria provided, single submitter. Criteria: Invitae Variant Classification Sherloc (09022015). Collection method: clinical testing. Allele origin: germline.
Comment: This sequence change replaces arginine, which is basic and polar, with glutamine, which is neutral and polar, at codon 207 of the TAPBP protein (p.Arg207Gln). This variant is not present in population databases (gnomAD no frequency). This variant has not been reported in the literature in individuals affected with TAPBP-related conditions. ClinVar contains an entry for this variant (Variation ID: 1970484). An algorithm developed to predict the effect of missense changes on protein structure and function (PolyPhen-2) suggests that this variant is likely to be disruptive. In summary, the available evidence is currently insufficient to determine the role of this variant in disease. Therefore, it has been classified as a Variant of Uncertain Significance.

NM_003190.5(TAPBP):c.620G>A (p.Arg207Gln)

Gene: TAPBP (TAP binding protein; minus strand). Cytogenetic location: 6p21.32.
Variant type: single nucleotide variant.
Coding change: c.620G>A on transcript NM_003190.5 (MANE Select); coding-DNA position 620, G replaced by A.
Protein change: p.Arg207Gln; replaces arginine 207 with glutamine.
Molecular consequence: missense variant.
Genome position (GRCh38, 1-based): chr6:33,305,237, C>T on the plus strand (G>A on the coding strand, the complement: TAPBP is on the minus strand). VCF-style: chr6-33305237-C-T. GRCh37 (hg19) VCF-style: chr6-33273014-C-T.
Other names: c.620G>A, p.Arg207Gln (NM_001410875.1, NM_172208.3); c.359G>A, p.Arg120Gln (NM_172209.3); short protein forms R120Q, R207Q.
Identifiers: ClinVar variation 1970484 (VCV001970484.5), dbSNP rs1322329045, ClinGen allele CA363691726.